The following is an entry in ClinVar:

NM_182961.4(SYNE1):c.19826T>C (p.Met6609Thr)

Gene: SYNE1 (spectrin repeat containing nuclear envelope protein 1; minus strand). Cytogenetic location: 6q25.2.
Variant type: single nucleotide variant.
Coding change: c.19826T>C on transcript NM_182961.4 (MANE Select); coding-DNA position 19826, T replaced by C.
Protein change: p.Met6609Thr; replaces methionine 6609 with threonine.
Molecular consequence: missense variant.
Genome position (GRCh38, 1-based): chr6:152,242,307, A>G on the plus strand (T>C on the coding strand, the complement: SYNE1 is on the minus strand). VCF-style: chr6-152242307-A-G. GRCh37 (hg19) VCF-style: chr6-152563442-A-G.
Other names: c.19613T>C, p.Met6538Thr (NM_033071.5); short protein forms M6609T, M6538T.
Identifiers: ClinVar variation 859447 (VCV000859447.9), dbSNP rs769943207, ClinGen allele CA4054568.

ClinVar aggregate classification (germline): Uncertain significance. Review status: criteria provided, multiple submitters, no conflicts (2 of 4 stars). 2 submissions from 2 submitters: Uncertain significance (2). Last evaluated 2022-11-08.

Conditions:
Emery-Dreifuss muscular dystrophy 4, autosomal dominant (EDMD4). Also called: EMERY-DREIFUSS MUSCULAR DYSTROPHY 4 WITH VARIABLE FEATURES. Identifiers: Orphanet 261, MedGen C2751807, MONDO:0013071, OMIM 612998.
Autosomal recessive ataxia, Beauce type. Also called: ATAXIA, RECESSIVE, OF BEAUCE; SYNE1 Deficiency; Spinocerebellar ataxia, autosomal recessive 8; SYNE1-Related Autosomal Recessive Cerebellar Ataxia. Identifiers: Orphanet 88644, MedGen C1853116, MONDO:0012549, OMIM 610743.

Allele frequency attached by ClinVar (database versions not stated): gnomAD exomes below 0.00001 and 0.00001; ExAC 0.00001.
gnomAD v4.1: 14 of 1,614,042 alleles (0.00087%); highest among the groups gnomAD compares: Non-Finnish European, 0.0012%; no homozygotes.

Submissions (2):

Labcorp Genetics (formerly Invitae), Labcorp
Classification: Uncertain significance for Emery-Dreifuss muscular dystrophy 4, autosomal dominant; Autosomal recessive ataxia, Beauce type. Last evaluated: 2022-11-08. Review status: criteria provided, single submitter. Criteria: Invitae Variant Classification Sherloc (09022015). Collection method: clinical testing. Allele origin: germline.
Comment: This sequence change replaces methionine, which is neutral and non-polar, with threonine, which is neutral and polar, at codon 6538 of the SYNE1 protein (p.Met6538Thr). This variant is present in population databases (rs769943207, gnomAD 0.0009%). This variant has not been reported in the literature in individuals affected with SYNE1-related conditions. ClinVar contains an entry for this variant (Variation ID: 859447). Algorithms developed to predict the effect of missense changes on protein structure and function output the following: SIFT: "Tolerated"; PolyPhen-2: "Benign"; Align-GVGD: "Class C0". The threonine amino acid residue is found in multiple mammalian species, which suggests that this missense change does not adversely affect protein function. In summary, the available evidence is currently insufficient to determine the role of this variant in disease. Therefore, it has been classified as a Variant of Uncertain Significance.

GeneDx
Classification: Uncertain significance. Last evaluated: 2021-05-20. Review status: criteria provided, single submitter. Criteria: GeneDx Variant Classification Process June 2021. Collection method: clinical testing. Allele origin: germline. Affected: yes.
Comment: Has not been previously published as pathogenic or benign to our knowledge; In silico analysis, which includes protein predictors and evolutionary conservation, supports a deleterious effect; Not observed at a significant frequency in large population cohorts (Lek et al., 2016)